The following is an entry in ClinVar:

NM_000368.5(TSC1):c.2711_2712del (p.Thr904fs)

Gene: TSC1 (TSC complex subunit 1; minus strand). Cytogenetic location: 9q34.13.
Variant type: Deletion.
Coding change: c.2711_2712del on transcript NM_000368.5 (MANE Select); coding-DNA positions 2711 to 2712, 2 bases deleted (CC; older notation c.2711_2712delCC).
Protein change: p.Thr904fs; shifts the reading frame from threonine 904.
Molecular consequence: frameshift variant. On other transcripts: non-coding transcript variant (5).
Genome position (GRCh38, 1-based): chr9:132,897,524-132,897,525, GG deleted on the plus strand (CC on the coding strand, the reverse complement: TSC1 is on the minus strand). VCF-style (leftmost placement, unchanged base first): chr9-132897523-AGG-A. GRCh37 (hg19) VCF-style: chr9-135772910-AGG-A.
Other names: c.2708_2709del, p.Thr903fs (NM_001162426.2, NM_001406597.1, NM_001406598.1 and 2 more transcripts); c.2558_2559del, p.Thr853fs (NM_001162427.2, NM_001406610.1); c.2348_2349del, p.Thr783fs (NM_001362177.2, NM_001406614.1, NM_001406615.1 and 4 more transcripts); c.2711_2712del, p.Thr904fs (NM_001406592.1, NM_001406593.1, NM_001406594.1 and 2 more transcripts); c.2696_2697del, p.Thr899fs (NM_001406601.1, NM_001406602.1); c.2693_2694del, p.Thr898fs (NM_001406603.1, NM_001406604.1); c.2669_2670del, p.Thr890fs (NM_001406605.1, NM_001406606.1, NM_001406607.1); c.2666_2667del, p.Thr889fs (NM_001406608.1, NM_001406609.1); and 8 more; short protein forms T768fs, T783fs, T853fs, T890fs, T898fs, T899fs, T769fs, T889fs.
Identifiers: ClinVar variation 3462480 (VCV003462480.1).

ClinVar aggregate classification (germline): Pathogenic (1 of 4 stars; one submission).

Conditions:
Hereditary cancer-predisposing syndrome. Also called: Tumor predisposition; Neoplastic Syndromes, Hereditary; Hereditary neoplastic syndrome; Hereditary Cancer Syndrome. Identifiers: Orphanet 140162, MedGen C0027672, MeSH D009386, MONDO:0015356.

Submission:

Ambry Genetics
Classification: Pathogenic for Hereditary cancer-predisposing syndrome. Last evaluated: 2024-10-19. Review status: criteria provided, single submitter. Criteria: Ambry Variant Classification Scheme 2023. Collection method: clinical testing. Allele origin: germline.
Comment: The c.2711_2712delCC pathogenic mutation, located in coding exon 19 of the TSC1 gene, results from a deletion of two nucleotides at nucleotide positions 2711 to 2712, causing a translational frameshift with a predicted alternate stop codon (p.T904Ifs*45). This variant is considered to be rare based on population cohorts in the Genome Aggregation Database (gnomAD). This alteration is expected to result in loss of function by premature protein truncation or nonsense-mediated mRNA decay. As such, this alteration is interpreted as a disease-causing mutation.